The following is an entry in ClinVar:

NM_000540.3(RYR1):c.9000+1G>A

Gene: RYR1 (ryanodine receptor 1; plus strand). Cytogenetic location: 19q13.2.
Variant type: single nucleotide variant.
Coding change: c.9000+1G>A on transcript NM_000540.3 (MANE Select); the canonical splice donor site of the intron after coding-DNA position 9000, G replaced by A.
Molecular consequence: splice donor variant.
Genome position (GRCh38, 1-based): chr19:38,510,566, G>A. VCF-style: chr19-38510566-G-A. GRCh37 (hg19) VCF-style: chr19-39001206-G-A.
Other names: c.9000+1G>A (NM_001042723.2).
Identifiers: ClinVar variation 859750 (VCV000859750.9), dbSNP rs111364670, ClinGen allele CA308123148.
Genomic context (GRCh38, chr19:38,510,566, plus strand): 5'-GTCAGCAGTGGGCGAGTGGAAAAGTCCCCACATGAACAGGAGATTAAATTCTTTGCCAAG[G>A]TGAGAGGTGGGCTTAGAAGCTGGAGGGCGCTGGGGACTCATAGGCTCTCCCCACCCCTCA-3'

ClinVar aggregate classification (germline): Pathogenic (1 of 4 stars; one submission).

Conditions:
RYR1-related disorder. Also called: RYR1-related disorders; RYR1-related condition. Identifiers: MedGen CN239331.

Submission:

Labcorp Genetics (formerly Invitae), Labcorp
Classification: Pathogenic for RYR1-related disorder. Last evaluated: 2019-12-13. Review status: criteria provided, single submitter. Criteria: Invitae Variant Classification Sherloc (09022015). Collection method: clinical testing. Allele origin: germline.
Comment: This sequence change affects a donor splice site in intron 59 of the RYR1 gene. It is expected to disrupt RNA splicing and likely results in an absent or disrupted protein product. This variant is not present in population databases (ExAC no frequency). For these reasons, this variant has been classified as Pathogenic. Donor and acceptor splice site variants typically lead to a loss of protein function (PMID: 16199547), and loss-of-function variants in RYR1 are known to be pathogenic (PMID: 20583297, 20839240, 23919265, 28818389). Experimental studies have shown that disruption of this splice site affects mRNA splicing (PMID: 20583297). Disruption of this splice site has been observed in individual(s) with autosomal recessive congenital fiber type disproportion (PMID: 20583297).

Literature cited by the submitters: PubMed 16199547; PubMed 20583297; PubMed 20839240; PubMed 23919265; PubMed 28818389.